The following is an entry in ClinVar:

ClinVar aggregate classification (germline): Uncertain significance. Review status: criteria provided, multiple submitters, no conflicts (2 of 4 stars). 2 submissions from 2 submitters: Uncertain significance (2). Last evaluated 2025-12-15.

Conditions:
Cardiovascular phenotype. Identifiers: MedGen CN230736.
Ehlers-Danlos syndrome, classic type, 1 (EDSCL1). Also called: EHLERS-DANLOS SYNDROME, GRAVIS TYPE; EHLERS-DANLOS SYNDROME, SEVERE CLASSIC TYPE; Ehlers-Danlos syndrome, type 1; Ehlers-Danlos Syndrome, Classic Type, COL5A1-Related; EDS I. Identifiers: MedGen C0268335, MONDO:0019567, OMIM 130000.
Osteogenesis imperfecta type I (OI1). Also called: OI, TYPE I; OSTEOGENESIS IMPERFECTA TARDA; OSTEOGENESIS IMPERFECTA WITH BLUE SCLERAE; Osteogenesis imperfecta type 1; Classic Non-deforming Osteogenesis Imperfecta with Blue Sclerae; Lobstein's Disease. Identifiers: Orphanet 216796, Orphanet 666, MedGen C0023931, MONDO:0008146, OMIM 166200. Disease mechanism: loss of function.

Allele frequency attached by ClinVar (database versions not stated): gnomAD 0.00001.

Submissions (2):

Labcorp Genetics (formerly Invitae), Labcorp
Classification: Uncertain significance for Osteogenesis imperfecta type I; Ehlers-Danlos syndrome, classic type, 1. Last evaluated: 2025-12-15. Review status: criteria provided, single submitter. Criteria: Invitae Variant Classification Sherloc (09022015). Collection method: clinical testing. Allele origin: germline.
Comment: This sequence change replaces alanine, which is neutral and non-polar, with threonine, which is neutral and polar, at codon 852 of the COL1A2 protein (p.Ala852Thr). This variant is present in population databases (rs375155526, gnomAD 0.009%). This variant has not been reported in the literature in individuals affected with COL1A2-related conditions. ClinVar contains an entry for this variant (Variation ID: 2586616). Invitae Evidence Modeling of protein sequence and biophysical properties (such as structural, functional, and spatial information, amino acid conservation, physicochemical variation, residue mobility, and thermodynamic stability) indicates that this missense variant is not expected to disrupt COL1A2 protein function with a negative predictive value of 95%. In summary, the available evidence is currently insufficient to determine the role of this variant in disease. Therefore, it has been classified as a Variant of Uncertain Significance.

Ambry Genetics
Classification: Uncertain significance for Cardiovascular phenotype. Last evaluated: 2023-08-01. Review status: criteria provided, single submitter. Criteria: Ambry Variant Classification Scheme 2023. Collection method: clinical testing. Allele origin: germline.
Comment: The p.A852T variant (also known as c.2554G>A), located in coding exon 40 of the COL1A2 gene, results from a G to A substitution at nucleotide position 2554. The alanine at codon 852 is replaced by threonine, an amino acid with similar properties. This amino acid position is poorly conserved in available vertebrate species. In addition, the in silico prediction for this alteration is inconclusive. Since supporting evidence is limited at this time, the clinical significance of this alteration remains unclear.

NM_000089.4(COL1A2):c.2554G>A (p.Ala852Thr)

Gene: COL1A2 (collagen type I alpha 2 chain; plus strand). Cytogenetic location: 7q21.3.
Variant type: single nucleotide variant.
Coding change: c.2554G>A on transcript NM_000089.4 (MANE Select); coding-DNA position 2554, G replaced by A.
Protein change: p.Ala852Thr; replaces alanine 852 with threonine.
Molecular consequence: missense variant.
Genome position (GRCh38, 1-based): chr7:94,423,107, G>A. VCF-style: chr7-94423107-G-A. GRCh37 (hg19) VCF-style: chr7-94052419-G-A.
Other names: short protein forms A852T.
Identifiers: ClinVar variation 2586616 (VCV002586616.5), dbSNP rs375155526, ClinGen allele CA4347475.
Genomic context (GRCh38, chr7:94,423,107, plus strand): 5'-GGAGAAGTAGGTGCAGTTGGTCCCCCTGGCTTCGCTGGTGAGAAGGGTCCCTCTGGAGAG[G>A]CTGGTACTGCTGTAAGTGATTTCCAACTCCTCTTTCTTAATACCTTATGCTGAATTAAAA-3'
Protein context (NP_000080.2, residues 842-862): FAGEKGPSGE[Ala852Thr]GTAGPPGTPG